The following is an entry in ClinVar:

ClinVar aggregate classification (germline): Likely benign (0 of 4 stars; one submission).

Conditions:
PLXNA1-related disorder. Also called: PLXNA1-related condition.

Allele frequency attached by ClinVar (database versions not stated): gnomAD 0.00002; gnomAD exomes 0.00002; TOPMed 0.00005; ESP Exome Variant Server 0.00008; ExAC 0.00018.
gnomAD v4.1: 37 of 1,614,036 alleles (0.0023%); highest among the groups gnomAD compares: East Asian, 0.031%; no homozygotes.

Submission:

PreventionGenetics, part of Exact Sciences
Classification: Likely benign for PLXNA1-related condition. Last evaluated: 2021-06-17. Review status: no assertion criteria provided. Collection method: clinical testing. Allele origin: germline.
Comment: This variant is classified as likely benign based on ACMG/AMP sequence variant interpretation guidelines (Richards et al. 2015 PMID: 25741868, with internal and published modifications).

NM_032242.4(PLXNA1):c.4338C>T (p.Thr1446=)

Gene: PLXNA1 (plexin A1; plus strand). Cytogenetic location: 3q21.3.
Variant type: single nucleotide variant.
Coding change: c.4338C>T on transcript NM_032242.4 (MANE Select); coding-DNA position 4338, C replaced by T.
Protein change: p.Thr1446=; no amino-acid change (threonine 1446 retained).
Molecular consequence: synonymous variant.
Genome position (GRCh38, 1-based): chr3:127,022,794, C>T. VCF-style: chr3-127022794-C-T. GRCh37 (hg19) VCF-style: chr3-126741637-C-T.
Identifiers: ClinVar variation 3054131 (VCV003054131.2), dbSNP rs375179727, ClinGen allele CA2594296.